The following is an entry in ClinVar:

NM_000512.5(GALNS):c.572A>G (p.Tyr191Cys)

Gene: GALNS (galactosamine (N-acetyl)-6-sulfatase; minus strand). Cytogenetic location: 16q24.3.
Variant type: single nucleotide variant.
Coding change: c.572A>G on transcript NM_000512.5 (MANE Select); coding-DNA position 572, A replaced by G.
Protein change: p.Tyr191Cys; replaces tyrosine 191 with cysteine.
Molecular consequence: missense variant.
Genome position (GRCh38, 1-based): chr16:88,836,262, T>C on the plus strand (A>G on the coding strand, the complement: GALNS is on the minus strand). VCF-style: chr16-88836262-T-C. GRCh37 (hg19) VCF-style: chr16-88902670-T-C.
Other names: c.17A>G, p.Tyr6Cys (NM_001323543.2); c.590A>G, p.Tyr197Cys (NM_001323544.2); short protein forms Y191C, Y197C, Y6C.
Identifiers: ClinVar variation 1048414 (VCV001048414.3), dbSNP rs2143001742, ClinGen allele CA397081583.

ClinVar aggregate classification (germline): Uncertain significance (1 of 4 stars; one submission).

Conditions:
Mucopolysaccharidosis, MPS-IV-A (MPS4A). Also called: Mucopolysaccharidosis type IV A; Mucopolysaccharidosis Type IVA; Morquio syndrome A, mild; MORQUIO SYNDROME A; MPS IVA; mucopolysaccharidosis type 4A. Identifiers: Orphanet 309297, Orphanet 582, MedGen C0086651, MONDO:0009659, OMIM 253000.

Submission:

Laboratory of Diagnosis and Therapy of Lysosomal Disorders, University of Padova
Classification: Uncertain significance for Mucopolysaccharidosis, MPS-IV-A. Last evaluated: 2021-02-01. Review status: criteria provided, single submitter. Criteria: ACMG Guidelines, 2015. Collection method: curation. Allele origin: germline. Affected: yes.
Comment: Absent from gnomAD v2.1.1 (PM2_moderate); multiple lines of computational evidence support a deleterious effect on the gene (PP3_supporting)

Literature cited by the submitters: PubMed 31991612; PubMed 34387910.